The following is an entry in ClinVar:

NM_000642.3(AGL):c.1612-10C>G

Gene: AGL (amylo-alpha-1, 6-glucosidase, 4-alpha-glucanotransferase; plus strand). Cytogenetic location: 1p21.2.
Variant type: single nucleotide variant.
Coding change: c.1612-10C>G on transcript NM_000642.3 (MANE Select); 10 bases into the intron before coding-DNA position 1612, C replaced by G.
Molecular consequence: intron variant.
Genome position (GRCh38, 1-based): chr1:99,879,913, C>G. VCF-style: chr1-99879913-C-G. GRCh37 (hg19) VCF-style: chr1-100345469-C-G.
Other names: c.1612-10C>G (NM_000643.3, NM_000644.3, NM_001425326.1 and 2 more transcripts); c.1564-10C>G (NM_000646.3); c.1411-10C>G (NM_001425327.1); c.1408-10C>G (NM_001425328.1, NM_001425329.1); c.1234-10C>G (NM_001425332.1).
Identifiers: ClinVar variation 392136 (VCV000392136.1), dbSNP rs1057524368, ClinGen allele CA16603719.
Genomic context (GRCh38, chr1:99,879,913, plus strand): 5'-CCTTCCTCCTATCTTGCTTTTCTCTTTCTGTTACATTTATTTGTTACATTTGTCACTGTG[C>G]TTTTTACAGTACATGTTGGATGCTGCTAGGAATTTGCAACCCAATTTATATGTAGTAGCT-3'

ClinVar aggregate classification (germline): Likely benign (1 of 4 stars; one submission).

Allele frequency attached by ClinVar (database versions not stated): gnomAD exomes below 0.00001; TOPMed below 0.00001; gnomAD 0.00001.
gnomAD v4.1: 3 of 1,604,172 alleles (0.00019%); highest among the groups gnomAD compares: South Asian, 0.0011%; no homozygotes.

Submission:

GeneDx
Classification: Likely benign. Last evaluated: 2016-12-21. Review status: criteria provided, single submitter. Criteria: GeneDx Variant Classification (06012015). Collection method: clinical testing. Allele origin: germline. Affected: yes.
Comment: This variant is considered likely benign or benign based on one or more of the following criteria: it is a conservative change, it occurs at a poorly conserved position in the protein, it is predicted to be benign by multiple in silico algorithms, and/or has population frequency not consistent with disease.